The following is an entry in ClinVar:

ClinVar aggregate classification (germline): Uncertain significance (1 of 4 stars; one submission).

Submission:

Labcorp Genetics (formerly Invitae), Labcorp
Classification: Uncertain significance. Last evaluated: 2022-01-16. Review status: criteria provided, single submitter. Criteria: Invitae Variant Classification Sherloc (09022015). Collection method: clinical testing. Allele origin: unknown.
Comment: In summary, the available evidence is currently insufficient to determine the role of this variant in disease. Therefore, it has been classified as a Variant of Uncertain Significance. Experimental studies and prediction algorithms are not available or were not evaluated, and the functional significance of this variant is currently unknown. This variant has not been reported in the literature in individuals affected with IRF2BP2-related conditions. A copy number gain of the genomic region encompassing the full coding sequence of the IRF2BP2 gene has been identified. The boundaries of this event are unknown as they extend beyond the assayed region for this gene and therefore may encompass additional genes. As the precise location of this event is unknown, it may be in tandem or it may be located elsewhere in the genome.

NC_000001.10:g.(?_234338304)_(237995947_?)dup

Genes: ACTN2 (actinin alpha 2; plus strand), ARID4B (AT-rich interaction domain 4B; minus strand), B3GALNT2 (beta-1,3-N-acetylgalactosaminyltransferase 2; minus strand), COA6 (cytochrome c oxidase assembly factor 6; plus strand), EDARADD (EDAR associated via death domain; plus strand) and 18 more. Cytogenetic location: 1q42.2-43.
Variant type: Duplication.
Identifiers: ClinVar variation 3248035 (VCV003248035.1).